The following is an entry in ClinVar:

ClinVar aggregate classification (germline): Likely benign. Review status: criteria provided, multiple submitters, no conflicts (2 of 4 stars). 2 submissions from 2 submitters: Likely benign (2). Last evaluated 2025-03-05.

gnomAD v4.1: 38 of 1,613,794 alleles (0.0024%); highest among the groups gnomAD compares: East Asian, 0.0067%; no homozygotes.

Submissions (2):

Labcorp Genetics (formerly Invitae), Labcorp
Classification: Likely benign. Last evaluated: 2025-03-05. Review status: criteria provided, single submitter. Criteria: Invitae Variant Classification Sherloc (09022015). Collection method: clinical testing. Allele origin: germline.

CeGaT Center for Human Genetics Tuebingen
Classification: Likely benign. Last evaluated: 2025-03-01. Review status: criteria provided, single submitter. Criteria: CeGaT Center For Human Genetics Tuebingen Variant Classification Criteria Version 2. Collection method: clinical testing. Allele origin: germline. Affected: yes. Observed: 1 variant allele.
Comment: POC1A: BP4, BP7

NM_015426.5(POC1A):c.609C>T (p.Ala203=)

Gene: POC1A (POC1 centriolar protein A; minus strand). Cytogenetic location: 3p21.2.
Variant type: single nucleotide variant.
Coding change: c.609C>T on transcript NM_015426.5 (MANE Select); coding-DNA position 609, C replaced by T.
Protein change: p.Ala203=; no amino-acid change (alanine 203 retained).
Molecular consequence: synonymous variant.
Genome position (GRCh38, 1-based): chr3:52,145,916, G>A on the plus strand (C>T on the coding strand, the complement: POC1A is on the minus strand). VCF-style: chr3-52145916-G-A. GRCh37 (hg19) VCF-style: chr3-52179932-G-A.
Other names: c.609C>T, p.Ala203= (NM_001161580.2); c.495C>T, p.Ala165= (NM_001161581.2).
Identifiers: ClinVar variation 3777925 (VCV003777925.8).